The following continues an entry in ClinVar:

NM_000334.4(SCN4A):c.2111C>T (p.Thr704Met)

ClinVar aggregate classification (germline): Pathogenic/Likely pathogenic. Pathogenic (19); Likely pathogenic (1).

Submissions 11 to 23 of 23:

Greenwood Genetic Center Diagnostic Laboratories, Greenwood Genetic Center
Classification: Pathogenic for Hypokalemic periodic paralysis, type 2. Last evaluated: 2022-08-16. Review status: criteria provided, single submitter. Criteria: ACMG Guidelines, 2015. Collection method: clinical testing. Allele origin: germline. Affected: yes.
Comment: PS3, PS4, PM2, PP3

Clinical Genetics Laboratory, Skane University Hospital Lund
Classification: Pathogenic. Last evaluated: 2022-07-13. Review status: criteria provided, single submitter. Criteria: ACMG Guidelines, 2015. Collection method: clinical testing. Allele origin: germline. Affected: yes.

MGZ Medical Genetics Center
Classification: Pathogenic for Hyperkalemic periodic paralysis. Last evaluated: 2021-11-08. Review status: criteria provided, single submitter. Criteria: ACMG Guidelines, 2015. Collection method: clinical testing. Allele origin: germline. Affected: yes. Observed: 1 variant allele.
Comment: ACMG criteria applied: PS3, PS4, PM2_SUP, PP1, PP2

Laboratory of Medical Genetics, National & Kapodistrian University of Athens
Classification: Pathogenic for Sotos syndrome. Last evaluated: 2021-10-01. Review status: criteria provided, single submitter. Criteria: ACMG Guidelines, 2015. Collection method: clinical testing. Allele origin: unknown. Affected: yes.
Comment: PS3, PM2, PP1, PP2, PP3, PP4, PP5

GeneDx
Classification: Pathogenic. Last evaluated: 2021-01-08. Review status: criteria provided, single submitter. Criteria: GeneDx Variant Classification Process June 2021. Collection method: clinical testing. Allele origin: germline. Affected: yes.
Comment: Most common pathogenic variant associated with hyerkalemic periodic paralysis (hyperKPP) and accounts for approximately 60% of pathogenic alleles (Jurkat-Rott et al., 2003); Functional studies demonstrate that the T704M variant disrupts normal sodium channel function causing a sustained membrane depolarization (Bendahhou et al., 1999); Not observed in large population cohorts (Lek et al., 2016); Identified in patients with periodic paralysis referred for genetic testing at GeneDx as well as in the literature, and often associated with fixed weakness and chronic progressive myopathy; however, phenotypic variability has been described (Lee et al., 2015, Ptacek et al. 1991, Saleem et al., 2013); In silico analysis supports that this missense variant has a deleterious effect on protein structure/function; This variant is associated with the following publications: (PMID: 23527931, 16870577, 18166706, 12933953, 11309455, 31068157, 7809121, 19077043, 18281721, 26256659, 24082935, 27714768, 28298850, 26834636, 29907477, 30931713, 30369522, 30647473, 31567646, 17395131, 15642860, 15534250, 8985730, 10366610, 22253644, 1659948, 31130284, 32336642, 32849172, 32962503, 32721234, 32528171, 33345742)

Institute of Human Genetics, University of Leipzig Medical Center
Classification: Pathogenic for Hyperkalemic periodic paralysis. Last evaluated: 2019-05-29. Review status: criteria provided, single submitter. Criteria: ACMG Guidelines, 2015. Collection method: clinical testing. Allele origin: germline. Affected: yes. Observed: 1 variant allele.

Fulgent Genetics
Classification: Pathogenic for Paramyotonia congenita of Von Eulenburg; Hypokalemic periodic paralysis, type 1; Hyperkalemic periodic paralysis; Potassium-aggravated myotonia; Hypokalemic periodic paralysis, type 2; Congenital myasthenic syndrome 16. Last evaluated: 2018-10-31. Review status: criteria provided, single submitter. Criteria: ACMG Guidelines, 2015. Collection method: clinical testing. Allele origin: unknown.

Clinical Genetics Service, Universitary Hospital 12 de Octubre
Classification: Pathogenic for Hyperkalemic periodic paralysis. Review status: criteria provided, single submitter. Criteria: ACMG Guidelines, 2015. Collection method: clinical testing. Allele origin: germline. Affected: yes.

Department of Traditional Chinese Medicine, Fujian Provincial Hospital
Classification: Likely pathogenic for Hypokalemic periodic paralysis, type 2. Review status: criteria provided, single submitter. Criteria: ACMG Guidelines, 2015. Collection method: research. Allele origin: unknown.
Comment: The episodes of quadriparesis occur under conditions such as hunger, excessive exercise, or staying up late. During the episodes, occasional measurements showed a decrease in blood potassium levels. This is believed to be due to hypokalemic periodic paralysis. According to ACMG scoring, this mutation is considered a likely pathogenic variant (PS4+PM2_Supporting+PP1_Moderate+PP3). Related mutations have been previously reported by Yoshimura et al. and Tan et al. (PMID: 30369522, 32962503). Therefore, we consider this mutation to be likely pathogenic.

Juno Genomics, Hangzhou Juno Genomics, Inc
Classification: Pathogenic for Congenital myopathy 22A, classic; Congenital myopathy 22B, severe fetal; Hyperkalemic periodic paralysis; Hypokalemic periodic paralysis, type 2; Congenital myasthenic syndrome 16; Potassium-aggravated myotonia; Paramyotonia congenita of Von Eulenburg. Review status: criteria provided, single submitter. Criteria: ACMG Guidelines, 2015. Collection method: clinical testing. Allele origin: germline.
Comment: Absent from controls (or at extremely low frequency if recessive) in Genome Aggregation Database.;Well-established in vitro or in vivo functional studies supportive of a damaging effect on the gene or gene product.;The prevalence of the variant in affected individuals is significantly increased compared to the prevalence in controls.;Co-segregation with disease in multiple affected family members.

Department of Neurology and Geriatrics, Kagoshima University Graduate School of Medical and Dental Sciences
Classification: Pathogenic for Hyperkalemic periodic paralysis. Last evaluated: 2022-04-12. Review status: no assertion criteria provided. Collection method: research. Allele origin: germline. Affected: yes. Not counted in ClinVar's aggregate classification.

OMIM
Classification: Pathogenic for HYPERKALEMIC PERIODIC PARALYSIS. Last evaluated: 2005-01-01. Review status: no assertion criteria provided. Collection method: literature only. Allele origin: germline. Not counted in ClinVar's aggregate classification.

OMIM
Classification: Pathogenic for PARAMYOTONIA CONGENITA/HYPERKALEMIC PERIODIC PARALYSIS. Last evaluated: 2005-01-01. Review status: no assertion criteria provided. Collection method: literature only. Allele origin: germline. Not counted in ClinVar's aggregate classification.

Literature cited by the submitters: PubMed 26256659 (cited by 4 submitters); PubMed 1659948 (cited by 3 submitters); PubMed 15642860 (cited by 3 submitters); PubMed 17395131 (cited by 3 submitters); PubMed 19077043 (cited by Labcorp Genetics (formerly Invitae), Labcorp and Dasa); PubMed 22253644 (cited by Labcorp Genetics (formerly Invitae), Labcorp and Dasa); PubMed 7809121 (cited by 3 submitters); PubMed 10366610 (cited by 3 submitters); PubMed 36796140 (cited by 3billion); PubMed 30931713 (cited by 3billion and Athena Diagnostics); PubMed 30172468 (cited by 3billion); PubMed 15534250 (cited by Athena Diagnostics and OMIM); PubMed 8388676 (cited by Athena Diagnostics); PubMed 29907477 (cited by Athena Diagnostics); PubMed 32849172 (cited by Athena Diagnostics); PubMed 32962503 (cited by Athena Diagnostics and Department of Traditional Chinese Medicine, Fujian Provincial Hospital); PubMed 33263785 (cited by Athena Diagnostics); PubMed 33345742 (cited by Athena Diagnostics); PubMed 32336642 (cited by Athena Diagnostics); PubMed 36779057 (cited by Athena Diagnostics); PubMed 38609989 (cited by Athena Diagnostics); PubMed 8804606 (cited by Athena Diagnostics); PubMed 11309455 (cited by Athena Diagnostics and OMIM); PubMed 12933953 (cited by Athena Diagnostics and OMIM); PubMed 34008892 (cited by Laboratory of Medical Genetics, National & Kapodistrian University of Athens); PubMed 30369522 (cited by Department of Traditional Chinese Medicine, Fujian Provincial Hospital); PubMed 8985730 (cited by OMIM).